The following is an entry in ClinVar:

NM_183381.3(RNF13):c.606+9A>G

Gene: RNF13 (ring finger protein 13; plus strand). Cytogenetic location: 3q25.1.
Variant type: single nucleotide variant.
Coding change: c.606+9A>G on transcript NM_183381.3 (MANE Select); 9 bases into the intron after coding-DNA position 606, A replaced by G.
Molecular consequence: intron variant.
Genome position (GRCh38, 1-based): chr3:149,912,092, A>G. VCF-style: chr3-149912092-A-G. GRCh37 (hg19) VCF-style: chr3-149629879-A-G.
Other names: c.606+9A>G (NM_007282.4, NM_001378286.1, NM_001378285.1); c.249+9A>G (NM_183383.2, NM_001378288.1, NM_001378289.1 and 2 more transcripts); c.213+9A>G (NM_001378291.1).
Identifiers: ClinVar variation 3721494 (VCV003721494.2).

ClinVar aggregate classification (germline): Uncertain significance (1 of 4 stars; one submission).

gnomAD v4.1: 1 of 1,333,978 alleles (0.000075%); no homozygotes.

Submission:

Labcorp Genetics (formerly Invitae), Labcorp
Classification: Uncertain significance. Last evaluated: 2024-09-27. Review status: criteria provided, single submitter. Criteria: Invitae Variant Classification Sherloc (09022015). Collection method: clinical testing. Allele origin: germline.
Comment: This sequence change falls in intron 8 of the RNF13 gene. It does not directly change the encoded amino acid sequence of the RNF13 protein. This variant is present in population databases (rs768147721, gnomAD 0.005%). This variant has not been reported in the literature in individuals affected with RNF13-related conditions. Algorithms developed to predict the effect of sequence changes on RNA splicing suggest that this variant may create or strengthen a splice site. In summary, the available evidence is currently insufficient to determine the role of this variant in disease. Therefore, it has been classified as a Variant of Uncertain Significance.